The following is an entry in ClinVar:

ClinVar aggregate classification (germline): Uncertain significance. Review status: criteria provided, multiple submitters, no conflicts (2 of 4 stars). 2 submissions from 2 submitters: Uncertain significance (2). Last evaluated 2023-10-10.

Conditions:
Autosomal dominant polycystic kidney disease. Identifiers: Orphanet 730, MedGen C0085413, MONDO:0004691.

Submissions (2):

Labcorp Genetics (formerly Invitae), Labcorp
Classification: Uncertain significance for Autosomal dominant polycystic kidney disease. Last evaluated: 2023-10-10. Review status: criteria provided, single submitter. Criteria: Invitae Variant Classification Sherloc (09022015). Collection method: clinical testing. Allele origin: germline.
Comment: This sequence change replaces lysine, which is basic and polar, with arginine, which is basic and polar, at codon 876 of the PKD2 protein (p.Lys876Arg). This variant is not present in population databases (gnomAD no frequency). This variant has not been reported in the literature in individuals affected with PKD2-related conditions. ClinVar contains an entry for this variant (Variation ID: 1309529). Advanced modeling of protein sequence and biophysical properties (such as structural, functional, and spatial information, amino acid conservation, physicochemical variation, residue mobility, and thermodynamic stability) performed at Invitae indicates that this missense variant is not expected to disrupt PKD2 protein function. In summary, the available evidence is currently insufficient to determine the role of this variant in disease. Therefore, it has been classified as a Variant of Uncertain Significance.

GeneDx
Classification: Uncertain significance. Last evaluated: 2019-10-30. Review status: criteria provided, single submitter. Criteria: GeneDx Variant Classification Process June 2021. Collection method: clinical testing. Allele origin: germline. Affected: yes.
Comment: Not observed in large population cohorts (Lek et al., 2016); In silico analysis, which includes protein predictors and evolutionary conservation, supports that this variant does not alter protein structure/function; Has not been previously published as pathogenic or benign to our knowledge

NM_000297.4(PKD2):c.2627A>G (p.Lys876Arg)

Gene: PKD2 (polycystin 2, transient receptor potential cation channel; plus strand). Cytogenetic location: 4q22.1.
Variant type: single nucleotide variant.
Coding change: c.2627A>G on transcript NM_000297.4 (MANE Select); coding-DNA position 2627, A replaced by G.
Protein change: p.Lys876Arg; replaces lysine 876 with arginine.
Molecular consequence: missense variant. On other transcripts: non-coding transcript variant (1).
Genome position (GRCh38, 1-based): chr4:88,074,916, A>G. VCF-style: chr4-88074916-A-G. GRCh37 (hg19) VCF-style: chr4-88996068-A-G.
Other names: short protein forms K876R.
Identifiers: ClinVar variation 1309529 (VCV001309529.5), dbSNP rs2110150855, ClinGen allele CA357628042.